The following is an entry in ClinVar:

ClinVar aggregate classification (germline): Benign/Likely benign. Review status: criteria provided, multiple submitters, no conflicts (2 of 4 stars). 5 submissions from 5 submitters: Benign (2); Likely benign (3). Last evaluated 2026-04-08.

Conditions:
Cardiovascular phenotype. Identifiers: MedGen CN230736.
Ehlers-Danlos syndrome, kyphoscoliotic type, 2. Also called: FKBP14-Kyphoscoliotic Ehlers-Danlos Syndrome; Ehlers-Danlos syndrome, kyphoscoliotic and deafness type; Ehlers-Danlos syndrome with progressive kyphoscoliosis, myopathy, and hearing loss. Identifiers: Orphanet 300179, MedGen C3281160, MONDO:0013800, OMIM 614557.

Allele frequency attached by ClinVar (database versions not stated): TOPMed 0.00311; 1000 Genomes Project 0.00359; 1000 Genomes Project 30x 0.00390; gnomAD exomes 0.00028 and 0.00080; ExAC 0.00094; ESP Exome Variant Server 0.00284; gnomAD 0.00294 and 0.00310.
gnomAD v4.1: 860 of 1,613,416 alleles (0.053%); highest among the groups gnomAD compares: African/African-American, 1%; 5 homozygotes.

Submissions (5):

Women's Health and Genetics/Laboratory Corporation of America, LabCorp
Classification: Likely benign. Last evaluated: 2026-04-08. Review status: criteria provided, single submitter. Criteria: LabCorp Variant Classification Summary - May 2015. Collection method: clinical testing. Allele origin: germline.
Comment: Variant summary: FKBP14 c.34C>G (p.Leu12Val) results in a conservative amino acid change in the encoded protein sequence. Algorithms developed to predict the effect of missense changes on protein structure and function all suggest that this variant is likely to be tolerated. The variant allele was found at a frequency of 0.0008 in 250950 control chromosomes, predominantly at a frequency of 0.011 within the African or African-American subpopulation in the gnomAD database. The observed variant frequency within African or African-American control individuals in the gnomAD database exceeds the estimated maximal expected allele frequency for disease-causing variants in FKBP14. To our knowledge, no occurrence of c.34C>G in individuals affected with FKBP14-related conditions and no experimental evidence demonstrating its impact on protein function have been reported. ClinVar contains an entry for this variant (Variation ID: 473001). Based on the evidence outlined above, the variant was classified as likely benign.

Labcorp Genetics (formerly Invitae), Labcorp
Classification: Benign for Ehlers-Danlos syndrome, kyphoscoliotic type, 2. Last evaluated: 2026-02-02. Review status: criteria provided, single submitter. Criteria: Invitae Variant Classification Sherloc (09022015). Collection method: clinical testing. Allele origin: germline.

CeGaT Center for Human Genetics Tuebingen
Classification: Likely benign. Last evaluated: 2024-12-01. Review status: criteria provided, single submitter. Criteria: CeGaT Center For Human Genetics Tuebingen Variant Classification Criteria Version 2. Collection method: clinical testing. Allele origin: germline. Affected: yes. Observed: 1 variant allele.
Comment: FKBP14: BP4, BS1

GeneDx
Classification: Likely benign. Last evaluated: 2020-01-16. Review status: criteria provided, single submitter. Criteria: GeneDx Variant Classification Process June 2021. Collection method: clinical testing. Allele origin: germline. Affected: yes.

Ambry Genetics
Classification: Benign for Cardiovascular phenotype. Last evaluated: 2019-12-27. Review status: criteria provided, single submitter. Criteria: Ambry Variant Classification Scheme 2023. Collection method: clinical testing. Allele origin: germline.

NM_017946.4(FKBP14):c.34C>G (p.Leu12Val)

Genes: FKBP14 (FKBP prolyl isomerase 14; minus strand), FKBP14-AS1 (FKBP14 antisense RNA 1; plus strand). Cytogenetic location: 7p14.3.
Variant type: single nucleotide variant.
Coding change: c.34C>G on transcript NM_017946.4 (MANE Select); coding-DNA position 34, C replaced by G.
Protein change: p.Leu12Val; replaces leucine 12 with valine.
Molecular consequence: missense variant. On other transcripts: non-coding transcript variant (2).
Genome position (GRCh38, 1-based): chr7:30,026,475, G>C on the plus strand (C>G on the coding strand, the complement: FKBP14 is on the minus strand). VCF-style: chr7-30026475-G-C. GRCh37 (hg19) VCF-style: chr7-30066091-G-C.
Other names: short protein forms L12V.
Identifiers: ClinVar variation 473001 (VCV000473001.35), dbSNP rs112905680, ClinGen allele CA4203520.